The following is an entry in ClinVar:

ClinVar aggregate classification (germline): Pathogenic (0 of 4 stars; one submission).

Conditions:
Autosomal recessive nonsyndromic hearing loss 4 (DFNB4). Also called: FOXI1-Related Pendred Syndrome; KCNJ10-Related Pendred Syndrome; DEAFNESS, AUTOSOMAL RECESSIVE 4, WITH ENLARGED VESTIBULAR AQUEDUCT, DIGENIC; Deafness, autosomal recessive 4, with enlarged vestibular aqueduct; Deafness, autosomal recessive 4; NEUROSENSORY NONSYNDROMIC RECESSIVE DEAFNESS 4. Identifiers: Orphanet 90636, MedGen C3538946, MONDO:0010933, OMIM 600791.
Pendred syndrome (PDS). Also called: DEAFNESS WITH GOITER; GOITER-DEAFNESS SYNDROME; HYPOTHYROIDISM, CONGENITAL, DUE TO DYSHORMONOGENESIS, 2B; Pendred Syndrome (PDS); THYROID DYSHORMONOGENESIS 2B; THYROID HORMONOGENESIS, GENETIC DEFECT IN, 2B. Identifiers: Orphanet 705, MedGen C0271829, MONDO:0010134, OMIM 274600.

Submission:

Institute of Otorhinolaryngology, The First affiliated hospital, Sun Yat-sen University
Classification: Pathogenic for Enlarged vestibular aqueduct syndrome; Pendred's syndrome. Review status: no assertion criteria provided. Collection method: not provided. Allele origin: inherited.
ClinVar note: Converted during submission from pathogenic to Pathogenic.

NM_000441.2(SLC26A4):c.997dup (p.Arg333fs)

Gene: SLC26A4 (solute carrier family 26 member 4; plus strand). Cytogenetic location: 7q22.3.
Variant type: Duplication.
Coding change: c.997dup on transcript NM_000441.2 (MANE Select); coding-DNA position 997, one base duplicated (A; older notation c.997dupA).
Protein change: p.Arg333fs; shifts the reading frame from arginine 333.
Molecular consequence: frameshift variant.
Genome position (GRCh38, 1-based): chr7:107,683,533, A duplicated; the last of 2 consecutive A bases (chr7:107,683,532-107,683,533); duplicating either gives the same sequence. VCF-style (leftmost placement, unchanged base first): chr7-107683531-C-CA. GRCh37 (hg19) VCF-style: chr7-107323976-C-CA.
Other names: short protein forms R333fs.
Identifiers: ClinVar variation 97015 (VCV000097015.2), dbSNP rs431905486, ClinGen allele CA267506.